The following is an entry in ClinVar:

ClinVar aggregate classification (germline): Conflicting classifications of pathogenicity. Review status: criteria provided, conflicting classifications (1 of 4 stars). 15 submissions from 14 submitters: Pathogenic (1); Likely pathogenic (5); Uncertain significance (7); Likely benign (1). 1 of the submissions does not count toward it. Last evaluated 2026-08-18.

Conditions:
Cardiovascular phenotype. Identifiers: MedGen CN230736.
MYBPC3-related disorder. Also called: MYBPC3-related disorders; MYBPC3-related condition; MYBPC3-related disease.
Hypertrophic cardiomyopathy 4. Also called: Familial hypertrophic cardiomyopathy 4. Identifiers: MedGen C1861862, MONDO:0007268, OMIM 115197.
Left ventricular noncompaction 10 (LVNC10). Identifiers: Orphanet 154, Orphanet 54260, MedGen C3715165, MONDO:0014163, OMIM 615396.
Cardiomyopathy (CMYO). Also called: Cardiomyopathies. Identifiers: Orphanet 167848, MedGen C0878544, MONDO:0004994, HP:0001638. Inheritance: Various modes of inheritance.
Primary familial hypertrophic cardiomyopathy (HCM). Identifiers: Orphanet 99739, MedGen C0949658, MeSH D024741, MONDO:0024573. Inheritance: Various modes of inheritance.
Hypertrophic cardiomyopathy. Also called: HYPERTROPHIC MYOCARDIOPATHY. Identifiers: Orphanet 217569, MedGen C0007194, MeSH D002312, MONDO:0005045, HP:0001639.

Allele frequency attached by ClinVar (database versions not stated): gnomAD 0.00003 and 0.00004; gnomAD exomes 0.00004; ExAC 0.00006; TOPMed 0.00008; ESP Exome Variant Server 0.00017.
gnomAD v4.1: 65 of 1,550,960 alleles (0.0042%); highest among the groups gnomAD compares: Middle Eastern, 0.083%; no homozygotes.

Submissions (15):

Ambry Genetics
Classification: Uncertain significance for Cardiovascular phenotype. Last evaluated: 2026-08-18. Review status: criteria provided, single submitter. Criteria: Ambry Variant Classification Scheme 2023. Collection method: clinical testing. Allele origin: germline.
Comment: The p.V771M variant (also known as c.2311G>A), located in coding exon 24 of the MYBPC3 gene, results from a G to A substitution at nucleotide position 2311. The valine at codon 771 is replaced by methionine, an amino acid with highly similar properties. This variant was reported in individual(s) with hypertrophic cardiomyopathy (HCM), however, several individuals carried additional HCM-related variants (Olivotto I et al. Mayo Clin Proc, 2008 Jun;83:630-8; Roncarati R et al. J Cell Physiol, 2011 Nov;226:2894-900; Kassem HSh et al. J Cardiovasc Transl Res, 2013 Feb;6:65-80; Calore C et al. J Med Genet, 2015 May;52:338-47; Cecconi M et al. Int J Mol Med, 2016 Oct;38:1111-24; G&oacute;mez J et al. Circ Cardiovasc Genet, 2017 Apr;10:). This amino acid position is highly conserved in available vertebrate species. In addition, the in silico prediction for this alteration is inconclusive. Based on the available evidence, the clinical significance of this variant remains unclear.

PreventionGenetics, part of Exact Sciences
Classification: Uncertain significance for MYBPC3-related condition. Last evaluated: 2026-07-17. Review status: criteria provided, single submitter. Criteria: ACMG Guidelines, 2015. Collection method: clinical testing. Allele origin: germline.
Comment: The MYBPC3 c.2311G>A variant is predicted to result in the amino acid substitution p.Val771Met. This variant has been reported in multiple individuals with hypertrophic cardiomyopathy (see for example: Garcia-Castro et al. 2005. PubMed ID: 16004897; Kassem et al. 2012. PubMed ID: 23233322; Cecconi et al. 2016. PubMed ID: 27600940; Olivotto et al. 2008. PubMed ID: 18533079; Gómez et al. 2017. PubMed ID: 28356264). This variant is reported in 0.013% of alleles in individuals of African descent in gnomAD. Although we suspect that this variant may be pathogenic, at this time, the clinical significance of this variant is uncertain due to the absence of conclusive functional and genetic evidence.

Mendelics
Classification: Pathogenic for Hypertrophic cardiomyopathy 4. Last evaluated: 2026-02-13. Review status: criteria provided, single submitter. Criteria: Mendelics Assertion Criteria 2017. Collection method: clinical testing. Allele origin: unknown.
Comment: Variant NM_000256.3(MYBPC3):c.2311G>A (p.Val771Met) has gnomAD 4.1.0 frequency of 0.00004191 with zero homozygotes. According to ACMG criteria and given that the variant is known in the literature as pathogenic (cf. other submitters comments, e.g., PMID 33782553) interpretation has been updated to Pathogenic.

Labcorp Genetics (formerly Invitae), Labcorp
Classification: Likely pathogenic for Hypertrophic cardiomyopathy. Last evaluated: 2026-01-26. Review status: criteria provided, single submitter. Criteria: Invitae Variant Classification Sherloc (09022015). Collection method: clinical testing. Allele origin: germline.
Comment: This sequence change replaces valine, which is neutral and non-polar, with methionine, which is neutral and non-polar, at codon 771 of the MYBPC3 protein (p.Val771Met). This variant is present in population databases (rs371488302, gnomAD 0.01%). This missense change has been observed in individuals with hypertrophic or dilated cardiomyopathy (PMID: 16004897, 21302287, 23233322, 25740977, 27600940, 28356264, 28679633, 28771489, 33782553). ClinVar contains an entry for this variant (Variation ID: 161308). An algorithm developed to predict the effect of missense changes on protein structure and function (PolyPhen-2) suggests that this variant is likely to be disruptive. In summary, the currently available evidence indicates that the variant is pathogenic, but additional data are needed to prove that conclusively. Therefore, this variant has been classified as Likely Pathogenic.

CeGaT Center for Human Genetics Tuebingen
Classification: Uncertain significance. Last evaluated: 2025-10-01. Review status: criteria provided, single submitter. Criteria: CeGaT Center For Human Genetics Tuebingen Variant Classification Criteria Version 2. Collection method: clinical testing. Allele origin: germline. Affected: yes. Observed: 2 variant alleles.
Comment: MYBPC3: PS4:Moderate, PM2:Supporting

Molecular Diagnostic Laboratory for Inherited Cardiovascular Disease, Montreal Heart Institute
Classification: Uncertain significance for Cardiovascular phenotype. Last evaluated: 2025-04-08. Review status: criteria provided, single submitter. Criteria: ACMG Guidelines, 2015. Collection method: clinical testing. Allele origin: germline. Affected: yes.
Comment: PM2, PS4_supp, PP3

All of Us Research Program, National Institutes of Health
Classification: Uncertain significance for Hypertrophic cardiomyopathy. Last evaluated: 2024-07-10. Review status: criteria provided, single submitter. Criteria: ACMG Guidelines, 2015. Collection method: clinical testing. Allele origin: germline. Inheritance: Autosomal dominant inheritance. Observed: 16 variant alleles, 16 heterozygotes.
Comment: This missense variant replaces valine with methionine at codon 771 of the MYBPC3 protein. Computational prediction suggests that this variant may not impact protein structure and function (internally defined REVEL score threshold <= 0.5, PMID: 27666373). To our knowledge, functional studies have not been reported for this variant. This variant has been reported in over 10 individuals affected with hypertrophic cardiomyopathy (PMID: 28771489, 28356264, 27600940, 25740977, 25524337, 23233322, 21302287, 18533079, 16004897). Some of these individuals also carried a pathogenic variant in the same gene that could explain the observed phenotype (PMID: 25740977, 27600940, 28356264). It has also been reported in an individual affected with myocardial fibrosis (PMID: 35265679). This variant has been identified in 6/151534 chromosomes in the general population by the Genome Aggregation Database (gnomAD). The available evidence is insufficient to determine the role of this variant in disease conclusively. Therefore, this variant is classified as a Variant of Uncertain Significance.

This study involves interpretation of variants in research participants for the purpose of population health screening. Participant phenotype was not available at the time of variant classification. Additional details can be found in publication PMID: 35346344, PMCID: PMC8962531

Color Diagnostics, LLC DBA Color Health
Classification: Uncertain significance for Cardiomyopathy. Last evaluated: 2024-06-13. Review status: criteria provided, single submitter. Criteria: ACMG Guidelines, 2015. Collection method: clinical testing. Allele origin: germline.
Comment: This missense variant replaces valine with methionine at codon 771 of the MYBPC3 protein. Computational prediction tools indicate that this variant has a neutral impact on protein structure and function. To our knowledge, functional studies have not been reported for this variant. This variant has been reported in over 10 individuals affected with hypertrophic cardiomyopathy (PMID: 28771489, 28356264, 27600940, 25740977, 25524337, 23233322, 21302287, 18533079, 16004897). Some of these individuals also carried additional pathogenic variants in the same gene that could explain the observed phenotype (PMID: 25740977, 27600940, 28356264). This variant has also been reported in an individual affected with myocardial fibrosis (PMID: 35265679). This variant has been identified in 6/151534 chromosomes in the general population by the Genome Aggregation Database (gnomAD). The available evidence is insufficient to determine the role of this variant in disease conclusively. Therefore, this variant is classified as a Variant of Uncertain Significance.

Blueprint Genetics
Classification: Likely benign. Last evaluated: 2023-05-31. Review status: criteria provided, single submitter. Criteria: ACMG Guidelines, 2015. Collection method: clinical testing. Allele origin: germline.

Baylor Genetics
Classification: Likely pathogenic for Hypertrophic cardiomyopathy 4. Last evaluated: 2023-05-14. Review status: criteria provided, single submitter. Criteria: ACMG Guidelines, 2015. Collection method: clinical testing. Allele origin: unknown.

Baylor Genetics
Classification: Likely pathogenic for Left ventricular noncompaction 10. Last evaluated: 2023-05-14. Review status: criteria provided, single submitter. Criteria: ACMG Guidelines, 2015. Collection method: clinical testing. Allele origin: unknown.

Equipe Genetique des Anomalies du Developpement, Université de Bourgogne
Classification: Uncertain significance for Left ventricular noncompaction 10. Last evaluated: 2018-11-21. Review status: criteria provided, single submitter. Criteria: ACMG Guidelines, 2015. Collection method: clinical testing. Allele origin: unknown.

Fulgent Genetics
Classification: Likely pathogenic for Hypertrophic cardiomyopathy 4; Left ventricular noncompaction 10. Last evaluated: 2018-10-31. Review status: criteria provided, single submitter. Criteria: ACMG Guidelines, 2015. Collection method: clinical testing. Allele origin: unknown.

GeneDx
Classification: Likely pathogenic. Last evaluated: 2015-05-15. Review status: criteria provided, single submitter. Criteria: GeneDx Variant Classification (06012015). Collection method: clinical testing. Allele origin: germline. Affected: yes.
Comment: p.Val771Met (GTG>ATG): c.2311 G>A in exon 24 of the MYBPC3 gene (NM_000256.3). This individual's mother and sibling also harbored Val771Met. The mother was found to have left ventricular hypertrophy while the sibling had a normal echocardiogram. The Val771 residue is completely conserved across species, and in silico analysis predicts Val771Met is damaging to protein structure/function. Val771Met was not observed with any significant frequency in approximately 6,000 individuals of European and African American ancestry in the NHLBI Exome Sequencing Project. In summary, Val771Met in the MYBPC3 gene is interpreted as a disease-causing mutation. The variant is found in DCM panel(s).

CSER _CC_NCGL, University of Washington
Classification: Uncertain significance for Cardiomyopathy, hypertrophic. Last evaluated: 2014-06-01. Review status: no assertion criteria provided. Collection method: research. Allele origin: germline. Inheritance: Autosomal dominant inheritance. Study: ESP 6500 variant annotation. Not counted in ClinVar's aggregate classification.
Comment: Variants classified for the Actionable exomic incidental findings in 6503 participants: challenges of variant classification manuscript

Literature cited by the submitters: PubMed 18533079 (cited by 3 submitters); PubMed 21302287 (cited by 4 submitters); PubMed 23233322 (cited by 4 submitters); PubMed 25740977 (cited by 4 submitters); PubMed 27600940 (cited by 4 submitters); PubMed 28356264 (cited by 4 submitters); PubMed 33782553 (cited by Mendelics and Labcorp Genetics (formerly Invitae), Labcorp); PubMed 16004897 (cited by 3 submitters); PubMed 28679633 (cited by Labcorp Genetics (formerly Invitae), Labcorp); PubMed 28771489 (cited by 3 submitters); PubMed 25524337 (cited by All of Us Research Program, National Institutes of Health and Color Diagnostics, LLC DBA Color Health); PubMed 35265679 (cited by All of Us Research Program, National Institutes of Health and Color Diagnostics, LLC DBA Color Health).

NM_000256.3(MYBPC3):c.2311G>A (p.Val771Met)

Gene: MYBPC3 (myosin binding protein C3; minus strand). Cytogenetic location: 11p11.2.
Variant type: single nucleotide variant.
Coding change: c.2311G>A on transcript NM_000256.3 (MANE Select); coding-DNA position 2311, G replaced by A.
Protein change: p.Val771Met; replaces valine 771 with methionine.
Molecular consequence: missense variant.
Genome position (GRCh38, 1-based): chr11:47,337,792, C>T on the plus strand (G>A on the coding strand, the complement: MYBPC3 is on the minus strand). VCF-style: chr11-47337792-C-T. GRCh37 (hg19) VCF-style: chr11-47359343-C-T.
Other names: p.V771M:GTG>ATG; c.2311G>A, p.Val771Met (LRG_386t1); short protein forms V771M.
Identifiers: ClinVar variation 161308 (VCV000161308.39), dbSNP rs371488302, ClinGen allele CA012087.